The following is an entry in ClinVar:

ClinVar aggregate classification (germline): Likely pathogenic (1 of 4 stars; one submission).

Conditions:
Short QT syndrome 7 (SQT7). Identifiers: MedGen C5774304, MONDO:0859368, OMIM 620231.

gnomAD v4.1: 8 of 1,614,100 alleles (0.0005%); highest among the groups gnomAD compares: Middle Eastern, 0.017%; no homozygotes.

Submission:

Molecular Genetics Laboratory, Motol Hospital
Classification: Likely pathogenic for Short QT syndrome 7. Last evaluated: 2024-11-07. Review status: criteria provided, single submitter. Criteria: ACMG Guidelines, 2015. Collection method: clinical testing. Allele origin: paternal. Affected: yes. Observed: 2 variant alleles.
Comment: The relevant medical/scientific publications report on familial transmission of causative SLC4A3 gene variants and their genotype-phenotype correlation (PMID:36806574;30420954;31315195). This novel missense variant segregates with the clinical manifestation of short QT syndrome which was proved by ECG examination. To conclude, the variant is classified as likely pathogenic (ACMG PM2, PM5, PP1, PP3).

Literature cited by the submitters: PubMed 36806574; PubMed 30420954; PubMed 31315195.

NM_005070.4(SLC4A3):c.1027C>T (p.Arg343Cys)

Gene: SLC4A3 (solute carrier family 4 member 3; plus strand). Cytogenetic location: 2q35.
Variant type: single nucleotide variant.
Coding change: c.1027C>T on transcript NM_005070.4 (MANE Select); coding-DNA position 1027, C replaced by T.
Protein change: p.Arg343Cys; replaces arginine 343 with cysteine.
Molecular consequence: missense variant. On other transcripts: non-coding transcript variant (1).
Genome position (GRCh38, 1-based): chr2:219,632,328, C>T. VCF-style: chr2-219632328-C-T. GRCh37 (hg19) VCF-style: chr2-220497050-C-T.
Other names: c.1108C>T, p.Arg370Cys (NM_001326559.2, NM_201574.3); short protein forms R343C, R370C.
Identifiers: ClinVar variation 3374734 (VCV003374734.2).